The following is an entry in ClinVar:

NM_006231.4(POLE):c.4880A>T (p.His1627Leu)

Gene: POLE (DNA polymerase epsilon, catalytic subunit; minus strand). Cytogenetic location: 12q24.33.
Variant type: single nucleotide variant.
Coding change: c.4880A>T on transcript NM_006231.4 (MANE Select); coding-DNA position 4880, A replaced by T.
Protein change: p.His1627Leu; replaces histidine 1627 with leucine.
Molecular consequence: missense variant.
Genome position (GRCh38, 1-based): chr12:132,642,578, T>A on the plus strand (A>T on the coding strand, the complement: POLE is on the minus strand). VCF-style: chr12-132642578-T-A. GRCh37 (hg19) VCF-style: chr12-133219164-T-A.
Other names: short protein forms H1627L.
Identifiers: ClinVar variation 1743793 (VCV001743793.2), dbSNP rs1274894982, ClinGen allele CA387378037.

ClinVar aggregate classification (germline): Uncertain significance (1 of 4 stars; one submission).

Conditions:
Hereditary cancer-predisposing syndrome. Also called: Hereditary Cancer Syndrome; Neoplastic Syndromes, Hereditary; Tumor predisposition; Hereditary neoplastic syndrome. Identifiers: Orphanet 140162, MedGen C0027672, MeSH D009386, MONDO:0015356.

Submission:

Ambry Genetics
Classification: Uncertain significance for Hereditary cancer-predisposing syndrome. Last evaluated: 2021-10-04. Review status: criteria provided, single submitter. Criteria: Ambry Variant Classification Scheme 2023. Collection method: clinical testing. Allele origin: germline.
Comment: The p.H1627L variant (also known as c.4880A>T), located in coding exon 37 of the POLE gene, results from an A to T substitution at nucleotide position 4880. The histidine at codon 1627 is replaced by leucine, an amino acid with similar properties. This amino acid position is conserved. In addition, this alteration is predicted to be tolerated by in silico analysis. Since supporting evidence is limited at this time, the clinical significance of this alteration remains unclear.